The following is an entry in ClinVar:

NM_004304.5(ALK):c.2615G>T (p.Gly872Val)

Gene: ALK (ALK receptor tyrosine kinase; minus strand). Cytogenetic location: 2p23.2.
Variant type: single nucleotide variant.
Coding change: c.2615G>T on transcript NM_004304.5 (MANE Select); coding-DNA position 2615, G replaced by T.
Protein change: p.Gly872Val; replaces glycine 872 with valine.
Molecular consequence: missense variant.
Genome position (GRCh38, 1-based): chr2:29,232,321, C>A on the plus strand (G>T on the coding strand, the complement: ALK is on the minus strand). VCF-style: chr2-29232321-C-A. GRCh37 (hg19) VCF-style: chr2-29455187-C-A.
Other names: short protein forms G872V.
Identifiers: ClinVar variation 3658383 (VCV003658383.2).

ClinVar aggregate classification (germline): Uncertain significance (1 of 4 stars; one submission).

Conditions:
Neuroblastoma, susceptibility to, 3. Also called: ALK-Related Neuroblastic Tumor Susceptibility. Identifiers: Orphanet 635, MedGen C2751681, MONDO:0013083, OMIM 613014.

Submission:

Labcorp Genetics (formerly Invitae), Labcorp
Classification: Uncertain significance for Neuroblastoma, susceptibility to, 3. Last evaluated: 2024-07-04. Review status: criteria provided, single submitter. Criteria: Invitae Variant Classification Sherloc (09022015). Collection method: clinical testing. Allele origin: germline.
Comment: This sequence change replaces glycine, which is neutral and non-polar, with valine, which is neutral and non-polar, at codon 872 of the ALK protein (p.Gly872Val). This variant is not present in population databases (gnomAD no frequency). This variant has not been reported in the literature in individuals affected with ALK-related conditions. An algorithm developed to predict the effect of missense changes on protein structure and function (PolyPhen-2) suggests that this variant is likely to be disruptive. In summary, the available evidence is currently insufficient to determine the role of this variant in disease. Therefore, it has been classified as a Variant of Uncertain Significance.